The following is an entry in ClinVar:

NM_017654.4(SAMD9):c.2747A>G (p.Lys916Arg)

Gene: SAMD9 (sterile alpha motif domain containing 9; minus strand). Cytogenetic location: 7q21.2.
Variant type: single nucleotide variant.
Coding change: c.2747A>G on transcript NM_017654.4 (MANE Select); coding-DNA position 2747, A replaced by G.
Protein change: p.Lys916Arg; replaces lysine 916 with arginine.
Molecular consequence: missense variant.
Genome position (GRCh38, 1-based): chr7:93,103,351, T>C on the plus strand (A>G on the coding strand, the complement: SAMD9 is on the minus strand). VCF-style: chr7-93103351-T-C. GRCh37 (hg19) VCF-style: chr7-92732664-T-C.
Other names: c.2747A>G, p.Lys916Arg (NM_001193307.2); short protein forms K916R.
Identifiers: ClinVar variation 3949578 (VCV003949578.1).

ClinVar aggregate classification (germline): Uncertain significance (1 of 4 stars; one submission).

Conditions:
Inborn genetic diseases. Identifiers: MedGen C0950123, MeSH D030342.

Submission:

Ambry Genetics
Classification: Uncertain significance for Inborn genetic diseases. Last evaluated: 2025-04-20. Review status: criteria provided, single submitter. Criteria: Ambry Variant Classification Scheme 2023. Collection method: clinical testing. Allele origin: germline.
Comment: The p.K916R variant (also known as c.2747A>G), located in coding exon 1 of the SAMD9 gene, results from an A to G substitution at nucleotide position 2747. The lysine at codon 916 is replaced by arginine, an amino acid with highly similar properties. This amino acid position is conserved. In addition, this alteration is predicted to be tolerated by in silico analysis. Based on the available evidence, the clinical significance of this variant remains unclear.